The following is an entry in ClinVar:

ClinVar aggregate classification (germline): Benign. Review status: criteria provided, multiple submitters, no conflicts (2 of 4 stars). 2 submissions from 2 submitters: Benign (2). Last evaluated 2018-06-18.

Allele frequency attached by ClinVar (database versions not stated): 1000 Genomes Project 30x 0.37758; 1000 Genomes Project 0.38478; TOPMed 0.40028; gnomAD 0.40069 and 0.40570.
gnomAD v4.1: 61,896 of 152,048 alleles (41%); highest among the groups gnomAD compares: Middle Eastern, 56%; 14,063 homozygotes.

Submissions (2):

GeneDx
Classification: Benign. Last evaluated: 2018-06-18. Review status: criteria provided, single submitter. Criteria: GeneDx Variant Classification (06012015). Collection method: clinical testing. Allele origin: germline. Affected: yes.
Comment: This variant is considered likely benign or benign based on one or more of the following criteria: it is a conservative change, it occurs at a poorly conserved position in the protein, it is predicted to be benign by multiple in silico algorithms, and/or has population frequency not consistent with disease.

Breakthrough Genomics
Classification: Benign. Review status: criteria provided, single submitter. Criteria: ACMG Guidelines, 2015. Collection method: not provided. Allele origin: germline. Inheritance: Autosomal dominant inheritance. Affected: yes.

NM_058246.4(DNAJB6):c.175+187C>T

Gene: DNAJB6 (DnaJ heat shock protein family (Hsp40) member B6; plus strand). Cytogenetic location: 7q36.3.
Variant type: single nucleotide variant.
Coding change: c.175+187C>T on transcript NM_058246.4 (MANE Select); 187 bases into the intron after coding-DNA position 175, C replaced by T.
Molecular consequence: intron variant.
Genome position (GRCh38, 1-based): chr7:157,363,457, C>T. VCF-style: chr7-157363457-C-T. GRCh37 (hg19) VCF-style: chr7-157156151-C-T.
Other names: c.175+187C>T (NM_001363676.1, NM_005494.3).
Identifiers: ClinVar variation 680752 (VCV000680752.2), dbSNP rs3802096, ClinGen allele CA12602508.